The following is an entry in ClinVar:

NM_014014.5(SNRNP200):c.2619T>C (p.His873=)

Gene: SNRNP200 (small nuclear ribonucleoprotein U5 subunit 200; minus strand). Cytogenetic location: 2q11.2.
Variant type: single nucleotide variant.
Coding change: c.2619T>C on transcript NM_014014.5 (MANE Select); coding-DNA position 2619, T replaced by C.
Protein change: p.His873=; no amino-acid change (histidine 873 retained).
Molecular consequence: synonymous variant.
Genome position (GRCh38, 1-based): chr2:96,290,449, A>G on the plus strand (T>C on the coding strand, the complement: SNRNP200 is on the minus strand). VCF-style: chr2-96290449-A-G. GRCh37 (hg19) VCF-style: chr2-96956187-A-G.
Identifiers: ClinVar variation 4988908 (VCV004988908.1).

ClinVar aggregate classification (germline): Likely benign (1 of 4 stars; one submission).

Conditions:
SNRNP200-related disorder. Also called: SNRNP200-related condition.

gnomAD v4.1: 3 of 1,614,088 alleles (0.00019%); highest among the groups gnomAD compares: African/African-American, 0.004%; no homozygotes.

Submission:

PreventionGenetics, part of Exact Sciences
Classification: Likely benign for SNRNP200-related condition. Last evaluated: 2024-10-21. Review status: criteria provided, single submitter. Criteria: ACMG Guidelines, 2015. Collection method: clinical testing. Allele origin: germline.
Comment: This variant is classified as likely benign based on ACMG/AMP sequence variant interpretation guidelines (Richards et al. 2015 PMID: 25741868, with internal and published modifications).